The following is an entry in ClinVar:

NM_152468.5(TMC8):c.817-6G>A

Gene: TMC8 (transmembrane channel like 8; plus strand). Cytogenetic location: 17q25.3.
Variant type: single nucleotide variant.
Coding change: c.817-6G>A on transcript NM_152468.5 (MANE Select); 6 bases into the intron before coding-DNA position 817, G replaced by A.
Molecular consequence: intron variant.
Genome position (GRCh38, 1-based): chr17:78,134,388, G>A. VCF-style: chr17-78134388-G-A. GRCh37 (hg19) VCF-style: chr17-76130469-G-A.
Identifiers: ClinVar variation 1064014 (VCV001064014.7), dbSNP rs377044337, ClinGen allele CA8796622.
Genomic context (GRCh38, chr17:78,134,388, plus strand): 5'-TCCTGCACCCTTTCCTCCCATGCCCACCCCGCCTGCAGCTGCCTCTGTCCCCACCCTTCC[G>A]GGCAGGTGGAGCTGGAGGAGGGCCGTCGCTTCCAGCTGATGCAGCAGCAGACCCGGGCCC-3'

ClinVar aggregate classification (germline): Uncertain significance (1 of 4 stars; one submission).

Conditions:
Epidermodysplasia verruciformis. Identifiers: Orphanet 302, MedGen C0014522, MONDO:0009176.

Allele frequency attached by ClinVar (database versions not stated): 1000 Genomes Project 0.00020; ESP Exome Variant Server 0.00008; 1000 Genomes Project 30x 0.00031.
gnomAD v4.1: 11 of 1,609,468 alleles (0.00068%); highest among the groups gnomAD compares: African/African-American, 0.0027%; no homozygotes.

Submission:

Labcorp Genetics (formerly Invitae), Labcorp
Classification: Uncertain significance for Epidermodysplasia verruciformis. Last evaluated: 2020-08-30. Review status: criteria provided, single submitter. Criteria: Invitae Variant Classification Sherloc (09022015). Collection method: clinical testing. Allele origin: germline.
Comment: This variant is present in population databases (rs377044337, ExAC 0.03%). In summary, the available evidence is currently insufficient to determine the role of this variant in disease. Therefore, it has been classified as a Variant of Uncertain Significance. Algorithms developed to predict the effect of sequence changes on RNA splicing suggest that this variant may disrupt the consensus splice site, but this prediction has not been confirmed by published transcriptional studies. This variant has not been reported in the literature in individuals with TMC8-related conditions. This sequence change falls in intron 7 of the TMC8 gene. It does not directly change the encoded amino acid sequence of the TMC8 protein.